The following is an entry in ClinVar:

ClinVar aggregate classification (germline): Pathogenic (1 of 4 stars; one submission).

Conditions:
Peutz-Jeghers syndrome (PJS). Also called: POLYPOSIS, HAMARTOMATOUS INTESTINAL; POLYPS-AND-SPOTS SYNDROME; Peutz-Jeghers polyposis; Periorificial lentiginosis syndrome. Identifiers: Orphanet 2869, MedGen C0031269, MeSH D010580, MONDO:0008280, OMIM 175200.

Submission:

Labcorp Genetics (formerly Invitae), Labcorp
Classification: Pathogenic for Peutz-Jeghers syndrome. Last evaluated: 2017-09-20. Review status: criteria provided, single submitter. Criteria: Invitae Variant Classification Sherloc (09022015). Collection method: clinical testing. Allele origin: germline.
Comment: This sequence change creates a premature translational stop signal (p.Ser307Profs*11) in the STK11 gene. It is expected to result in an absent or disrupted protein product. This variant is not present in population databases (ExAC no frequency). This variant has not been reported in the literature in individuals with STK11-related disease. Loss-of-function variants in STK11 are known to be pathogenic (PMID: 15188174, 16287113). For these reasons, this variant has been classified as Pathogenic.

Literature cited by the submitters: PubMed 15188174; PubMed 16287113.

NC_000019.10:g.1222004_1222005delinsTCC

Gene: STK11 (serine/threonine kinase 11; plus strand). Cytogenetic location: 19p13.3.
Variant type: Indel.
Genome position: GRCh38 VCF-style: chr19-1222004-CA-TCC. GRCh37 (hg19) VCF-style: chr19-1222003-CA-TCC.
Other names: c.918_919delinsTCC, p.Ser307fs (LRG_319t1).
Identifiers: ClinVar variation 527812 (VCV000527812.5), dbSNP rs1555738899, ClinGen allele CA658799093.